The following is an entry in ClinVar:

ClinVar aggregate classification (germline): Uncertain significance (1 of 4 stars; one submission).

gnomAD v4.1: 24 of 1,612,660 alleles (0.0015%); highest among the groups gnomAD compares: Middle Eastern, 0.033%; no homozygotes.

Submission:

Labcorp Genetics (formerly Invitae), Labcorp
Classification: Uncertain significance. Last evaluated: 2024-01-02. Review status: criteria provided, single submitter. Criteria: Invitae Variant Classification Sherloc (09022015). Collection method: clinical testing. Allele origin: germline.
Comment: This sequence change replaces aspartic acid, which is acidic and polar, with glutamic acid, which is acidic and polar, at codon 1682 of the FRAS1 protein (p.Asp1682Glu). The frequency data for this variant in the population databases is considered unreliable, as metrics indicate poor data quality at this position in the gnomAD database. This variant has not been reported in the literature in individuals affected with FRAS1-related conditions. ClinVar contains an entry for this variant (Variation ID: 2060337). Advanced modeling of protein sequence and biophysical properties (such as structural, functional, and spatial information, amino acid conservation, physicochemical variation, residue mobility, and thermodynamic stability) performed at Invitae indicates that this missense variant is expected to disrupt FRAS1 protein function with a positive predictive value of 80%. In summary, the available evidence is currently insufficient to determine the role of this variant in disease. Therefore, it has been classified as a Variant of Uncertain Significance.

NM_025074.7(FRAS1):c.5046C>A (p.Asp1682Glu)

Gene: FRAS1 (Fraser extracellular matrix complex subunit 1; plus strand). Cytogenetic location: 4q21.21.
Variant type: single nucleotide variant.
Coding change: c.5046C>A on transcript NM_025074.7 (MANE Select); coding-DNA position 5046, C replaced by A.
Protein change: p.Asp1682Glu; replaces aspartic acid 1682 with glutamic acid.
Molecular consequence: missense variant.
Genome position (GRCh38, 1-based): chr4:78,432,433, C>A. VCF-style: chr4-78432433-C-A. GRCh37 (hg19) VCF-style: chr4-79353587-C-A.
Other names: c.5046C>A, p.Asp1682Glu (NM_001166133.2); short protein forms D1682E.
Identifiers: ClinVar variation 2060337 (VCV002060337.4), dbSNP rs35219594, ClinGen allele CA2977411.
Genomic context (GRCh38, chr4:78,432,433, plus strand): 5'-TGAGGATGTTGAGAAAAATGCTCTACAGTATATACATGATGGTTCCTCTACCCGGGAAGA[C>A]AGCATGGAGATCTCAGTCACAGATGGCCTCACAGTGACAATGCTGGAGGTGAGAGTAGAG-3'
Protein context (NP_079350.5, residues 1672-1692): YIHDGSSTRE[Asp1682Glu]SMEISVTDGL